The following is an entry in ClinVar:

ClinVar aggregate classification (germline): Uncertain significance (1 of 4 stars; one submission).

Submission:

GeneDx
Classification: Uncertain significance. Last evaluated: 2023-10-06. Review status: criteria provided, single submitter. Criteria: GeneDx Variant Classification Process June 2021. Collection method: clinical testing. Allele origin: germline. Affected: yes.
Comment: Not observed at significant frequency in large population cohorts (gnomAD); In silico analysis supports that this missense variant has a deleterious effect on protein structure/function; Has not been previously published as pathogenic or benign to our knowledge

NM_003412.4(ZIC1):c.695C>A (p.Pro232His)

Gene: ZIC1 (Zic family member 1; plus strand). Cytogenetic location: 3q24.
Variant type: single nucleotide variant.
Coding change: c.695C>A on transcript NM_003412.4 (MANE Select); coding-DNA position 695, C replaced by A.
Protein change: p.Pro232His; replaces proline 232 with histidine.
Molecular consequence: missense variant.
Genome position (GRCh38, 1-based): chr3:147,410,807, C>A. VCF-style: chr3-147410807-C-A. GRCh37 (hg19) VCF-style: chr3-147128594-C-A.
Other names: short protein forms P232H.
Identifiers: ClinVar variation 3253027 (VCV003253027.1), dbSNP rs2473123600.
Genomic context (GRCh38, chr3:147,410,807, plus strand): 5'-CCTTCTTCCGCTACATGCGCCAACCCATCAAGCAAGAGCTCATCTGCAAGTGGATCGAGC[C>A]CGAGCAGCTGGCCAACCCCAAAAAGTCGTGCAACAAAACTTTCAGCACCATGCACGAGCT-3'
Protein context (NP_003403.2, residues 222-242): KQELICKWIE[Pro232His]EQLANPKKSC